The following is an entry in ClinVar:

ClinVar aggregate classification (germline): Uncertain significance (1 of 4 stars; one submission).

Conditions:
Hereditary cancer-predisposing syndrome. Also called: Hereditary Cancer Syndrome; Hereditary neoplastic syndrome; Neoplastic Syndromes, Hereditary; Tumor predisposition. Identifiers: Orphanet 140162, MedGen C0027672, MeSH D009386, MONDO:0015356.

Submission:

Ambry Genetics
Classification: Uncertain significance for Hereditary cancer-predisposing syndrome. Last evaluated: 2025-06-05. Review status: criteria provided, single submitter. Criteria: Ambry Variant Classification Scheme 2023. Collection method: clinical testing. Allele origin: germline.
Comment: The p.R574K variant (also known as c.1721G>A), located in coding exon 14 of the MRE11A gene, results from a G to A substitution at nucleotide position 1721. The arginine at codon 574 is replaced by lysine, an amino acid with highly similar properties. This amino acid position is conserved. In addition, the in silico prediction for this alteration is inconclusive. Based on the available evidence, the clinical significance of this variant remains unclear.

NM_005591.4(MRE11):c.1721G>A (p.Arg574Lys)

Gene: MRE11 (MRE11 double strand break repair nuclease; minus strand). Cytogenetic location: 11q21.
Variant type: single nucleotide variant.
Coding change: c.1721G>A on transcript NM_005591.4 (MANE Select); coding-DNA position 1721, G replaced by A.
Protein change: p.Arg574Lys; replaces arginine 574 with lysine.
Molecular consequence: missense variant.
Genome position (GRCh38, 1-based): chr11:94,447,281, C>T on the plus strand (G>A on the coding strand, the complement: MRE11 is on the minus strand). VCF-style: chr11-94447281-C-T. GRCh37 (hg19) VCF-style: chr11-94180447-C-T.
Other names: c.1721G>A, p.Arg574Lys (NM_001330347.2, NM_005590.4); short protein forms R574K.
Identifiers: ClinVar variation 3912893 (VCV003912893.1).